The following is an entry in ClinVar:

ClinVar aggregate classification (germline): Uncertain significance. Review status: criteria provided, multiple submitters, no conflicts (2 of 4 stars). 2 submissions from 2 submitters: Uncertain significance (2). Last evaluated 2026-01-18.

Conditions:
Ullrich congenital muscular dystrophy 2 (UCMD2). Identifiers: Orphanet 75840, MedGen C4225314, MONDO:0014654, OMIM 616470.
Bethlem myopathy 2 (BTHLM2). Identifiers: Orphanet 536516, Orphanet 610, MedGen C4225313, MONDO:0034022, OMIM 616471.
Inborn genetic diseases. Identifiers: MedGen C0950123, MeSH D030342.

gnomAD v4.1: 37 of 1,613,948 alleles (0.0023%); highest among the groups gnomAD compares: African/African-American, 0.004%; no homozygotes.

Submissions (2):

Labcorp Genetics (formerly Invitae), Labcorp
Classification: Uncertain significance for Bethlem myopathy 2; Ullrich congenital muscular dystrophy 2. Last evaluated: 2026-01-18. Review status: criteria provided, single submitter. Criteria: Invitae Variant Classification Sherloc (09022015). Collection method: clinical testing. Allele origin: germline.
Comment: This sequence change replaces arginine, which is basic and polar, with histidine, which is basic and polar, at codon 1863 of the COL12A1 protein (p.Arg1863His). This variant is present in population databases (rs377417661, gnomAD 0.002%). This variant has not been reported in the literature in individuals affected with COL12A1-related conditions. ClinVar contains an entry for this variant (Variation ID: 1934775). Invitae Evidence Modeling of protein sequence and biophysical properties (such as structural, functional, and spatial information, amino acid conservation, physicochemical variation, residue mobility, and thermodynamic stability) indicates that this missense variant is not expected to disrupt COL12A1 protein function with a negative predictive value of 80%. In summary, the available evidence is currently insufficient to determine the role of this variant in disease. Therefore, it has been classified as a Variant of Uncertain Significance.

Ambry Genetics
Classification: Uncertain significance for Inborn genetic diseases. Last evaluated: 2025-09-22. Review status: criteria provided, single submitter. Criteria: Ambry Variant Classification Scheme 2023. Collection method: clinical testing. Allele origin: germline.

NM_004370.6(COL12A1):c.5588G>A (p.Arg1863His)

Gene: COL12A1 (collagen type XII alpha 1 chain; minus strand). Cytogenetic location: 6q13.
Variant type: single nucleotide variant.
Coding change: c.5588G>A on transcript NM_004370.6 (MANE Select); coding-DNA position 5588, G replaced by A.
Protein change: p.Arg1863His; replaces arginine 1863 with histidine.
Molecular consequence: missense variant.
Genome position (GRCh38, 1-based): chr6:75,133,934, C>T on the plus strand (G>A on the coding strand, the complement: COL12A1 is on the minus strand). VCF-style: chr6-75133934-C-T. GRCh37 (hg19) VCF-style: chr6-75843650-C-T.
Other names: c.2096G>A, p.Arg699His (NM_080645.3); c.5588G>A (NM_004370.5); short protein forms R699H, R1863H.
Identifiers: ClinVar variation 1934775 (VCV001934775.6), dbSNP rs377417661, ClinGen allele CA3893079.